The following is an entry in ClinVar:

NM_020975.6(RET):c.2752A>G (p.Met918Val)

Gene: RET (ret proto-oncogene; plus strand). Cytogenetic location: 10q11.21.
Variant type: single nucleotide variant.
Coding change: c.2752A>G on transcript NM_020975.6 (MANE Select); coding-DNA position 2752, A replaced by G.
Protein change: p.Met918Val; replaces methionine 918 with valine.
Molecular consequence: missense variant.
Genome position (GRCh38, 1-based): chr10:43,121,967, A>G. VCF-style: chr10-43121967-A-G. GRCh37 (hg19) VCF-style: chr10-43617415-A-G.
Other names: c.2752A>G, p.Met918Val (NM_000323.2, NM_001406743.1, NM_001406744.1 and 4 more transcripts); c.1990A>G, p.Met664Val (NM_001355216.2); c.2623A>G, p.Met875Val (NM_001406761.1, NM_001406762.1, NM_001406764.1); c.2314A>G, p.Met772Val (NM_001406773.1, NM_001406771.1); c.2227A>G, p.Met743Val (NM_001406774.1); c.2026A>G, p.Met676Val (NM_001406775.1, NM_001406776.1, NM_001406777.1 and 1 more transcripts); c.1855A>G, p.Met619Val (NM_001406779.1, NM_001406780.1, NM_001406781.1 and 1 more transcripts); c.1303A>G, p.Met435Val (NM_001406792.1, NM_001406793.1, NM_001406794.1); and 10 more; short protein forms M918V, M664V, M483V, M588V, M743V, M822V, M574V, M619V.
Identifiers: ClinVar variation 38614 (VCV000038614.27), dbSNP rs377767442, ClinGen allele CA009073.

ClinVar aggregate classification (germline): Pathogenic/Likely pathogenic. Review status: criteria provided, multiple submitters, no conflicts (2 of 4 stars). 11 submissions from 11 submitters: Pathogenic (4); Likely pathogenic (7). Last evaluated 2025-08-26.

Conditions:
Hereditary cancer-predisposing syndrome. Also called: Neoplastic Syndromes, Hereditary; Hereditary Cancer Syndrome; Tumor predisposition; Hereditary neoplastic syndrome. Identifiers: Orphanet 140162, MedGen C0027672, MeSH D009386, MONDO:0015356.
Multiple endocrine neoplasia, type 2 (MEN2). Identifiers: Orphanet 653, MedGen C4048306, MONDO:0019003. Disease mechanism: gain of function.
Multiple endocrine neoplasia type 2A. Also called: Multiple Endocrine Neoplasia Type 2A (MEN2A); MULTIPLE ENDOCRINE NEOPLASIA, TYPE IIA; PTC SYNDROME; SIPPLE SYNDROME; MEN 2A; MEN-2A syndrome. Identifiers: Orphanet 247698, Orphanet 653, MedGen C0025268, MeSH D018813, MONDO:0008234, OMIM 171400.

Allele frequency attached by ClinVar (database versions not stated): gnomAD exomes 0.00001.
gnomAD v4.1: 7 of 1,613,400 alleles (0.00043%); highest among the groups gnomAD compares: Non-Finnish European, 0.00059%; no homozygotes.

Submissions 1 to 6 of 11:

Ambry Genetics
Classification: Likely pathogenic for Hereditary cancer-predisposing syndrome. Last evaluated: 2025-08-26. Review status: criteria provided, single submitter. Criteria: Ambry Variant Classification Scheme 2023. Collection method: clinical testing. Allele origin: germline.
Comment: The p.M918V variant (also known as c.2752A>G), located in coding exon 16 of the RET gene, results from an A to G substitution at nucleotide position 2752. The methionine at codon 918 is replaced by valine, an amino acid with highly similar properties. This alteration has been identified in multiple individuals with a personal and/or family history of medullary thyroid carcinoma (MTC) (Cosci B et al. Endocr. Relat. Cancer. 2011 Oct;18:603-12; Lebeault M et al. Thyroid. 2017 12;27:1511-1522; Martins-Costa MC et al. Endocr. Relat. Cancer. 2016 12;23:909-920; Martins-Costa MC et al. Arch Endocrinol Metab. 2018;62:623-635; Romei C et al. Eur. J. Endocrinol. 2010 Aug;163:301-8). In one study, two unaffected family members were found to be carriers of the p.M918V variant and in vitro functional studies showed low to no transforming activity from this variant. Authors propose that this alteration may confer a more moderate disease risk as compared to other RET mutations (Cosci B et al. Endocr. Relat. Cancer. 2011 Oct;18:603-12). This amino acid position is highly conserved in available vertebrate species. In addition, this alteration is predicted to be deleterious by in silico analysis. This variant is considered to be rare based on population cohorts in the Genome Aggregation Database (gnomAD). Based on the supporting evidence, this alteration is likely pathogenic for MEN2; however, the association of this alteration with Hirschsprung disease is unknown.

Labcorp Genetics (formerly Invitae), Labcorp
Classification: Likely pathogenic for Multiple endocrine neoplasia, type 2. Last evaluated: 2025-08-10. Review status: criteria provided, single submitter. Criteria: Invitae Variant Classification Sherloc (09022015). Collection method: clinical testing. Allele origin: germline.
Comment: This sequence change replaces methionine, which is neutral and non-polar, with valine, which is neutral and non-polar, at codon 918 of the RET protein (p.Met918Val). This variant is not present in population databases (gnomAD no frequency). This variant has been observed in individual(s) with clinical features of RET-related conditions (PMID: 20516206, 21810974, 25440022, 27807060, 28946813, 33827484). It has also been observed to segregate with disease in related individuals. However, it has been observed in individuals without personal history of RET-related conditions (PMID: 27807060, 21810974). One study that prospectively screened individuals with this variant identified several with medullary thyroid cancer or C-cell hyperplasia (PMID: 27807060). ClinVar contains an entry for this variant (Variation ID: 38614). An algorithm developed to predict the effect of missense changes on protein structure and function (PolyPhen-2) suggests that this variant is likely to be disruptive. Experimental studies have shown that this missense change does not substantially affect RET function (PMID: 9075701, 21810974). In summary, the currently available evidence indicates that the variant is pathogenic, but additional data are needed to prove that conclusively. Therefore, this variant has been classified as Likely Pathogenic.

ARUP Laboratories, Molecular Genetics and Genomics, ARUP Laboratories
Classification: Likely pathogenic. Last evaluated: 2025-06-17. Review status: criteria provided, single submitter. Criteria: ARUP Molecular Germline Variant Investigation Process 2024. Collection method: clinical testing. Allele origin: germline.
Comment: The RET c.2752A>G; p.Met918Val variant (rs377767442, ClinVar Variation ID: 38614) is reported in the literature in multiple individuals and families affected with medullary thyroid cancer (MTC) (Cosci 2011, Martins-Costa 2018, Martins-Costa 2016, Romei 2010). This variant has been reported to segregate with disease in several kindreds with familial MTC, although with incomplete penetrance (Martins-Costa 2016). This variant is absent from the Genome Aggregation Database (v2.1.1), indicating it is not a common polymorphism. Computational analyses predict that this variant is deleterious (REVEL: 0.943); however, functional studies have reported conflicting results (Cosci 2011, Veyrat-Durebex 2019). Another variant at this codon (p.Met918Thr) is a well-characterized pathogenic variant reported in numerous individuals with multiple endocrine neoplasia type 2B (Maciel 2019, Romei 2010). Based on available information, the p.Met918Val variant is considered to be likely pathogenic. References: Cosci B et al. In silico and in vitro analysis of rare germline allelic variants of RET oncogene associated with medullary thyroid cancer. Endocr Relat Cancer. 2011 Sep 20;18(5):603-12. PMID: 21810974. Maciel RMB et al. Genotype and phenotype landscape of MEN2 in 554 medullary thyroid cancer patients: the BrasMEN study. Endocr Connect. 2019 Mar 1;8(3):289-298. PMID: 30763276. Martins-Costa MC et al. A pioneering RET genetic screening study in the State of CearÃ¡, Brazil, evaluating patients with medullary thyroid cancer and at-risk relatives: experience with 247 individuals. Arch Endocrinol Metab. 2018;62(6):623-635. PMID: 30624503. Martins-Costa MC et al. M918V RET mutation causes familial medullary thyroid carcinoma: study of 8 affected kindreds. Endocr Relat Cancer. 2016 Dec;23(12):909-920. PMID: 27807060. Romei C et al. Multiple endocrine neoplasia type 2 syndromes (MEN 2): results from the ItaMEN network analysis on the prevalence of different genotypes and phenotypes. Eur J Endocrinol. 2010 Aug;163(2):301-8. PMID: 20516206. Veyrat-Durebex C et al. Metabolomics signatures of a subset of RET variants according to their oncogenic risk level. Endocr Relat Cancer. 2019 Mar 1;26(3):379-389. PMID: 30653460.

Center for Genomic Medicine, Rigshospitalet, Copenhagen University Hospital
Classification: Likely pathogenic. Last evaluated: 2025-03-04. Review status: criteria provided, single submitter. Criteria: ACMG Guidelines, 2015. Collection method: clinical testing. Allele origin: germline.

Dasa
Classification: Pathogenic. Last evaluated: 2025-01-13. Review status: criteria provided, single submitter. Criteria: DASA Assertion Criteria. Collection method: clinical testing. Allele origin: germline.
Comment: NM_020975.6(RET):c.2752A>G (p.Met918Val) is a missense variant that results in the substitution of methionine with valine. Functional evidence supports a deleterious effect on the gene or gene product (PMID: 20516206; PMID: 27807060; PMID: 28946813; PMID: 30624503; PMID: 30763276). This variant has been recurrently observed in individuals with related phenotype (PMID: 20516206; PMID: 27807060; PMID: 28946813; PMID: 30624503; PMID: 30763276). Segregation evidence has been reported in affected families. Multiple computational predictions support a deleterious effect on the gene or gene product. The variant is present at low frequency in population datasets. Based on the available data, this variant is classified as pathogenic.

Color Diagnostics, LLC DBA Color Health
Classification: Likely pathogenic for Multiple endocrine neoplasia, type 2. Last evaluated: 2024-12-04. Review status: criteria provided, single submitter. Criteria: ACMG Guidelines, 2015. Collection method: clinical testing. Allele origin: germline.
Comment: This missense variant replaces methionine with valine at codon 918 of the RET protein. Computational prediction suggests that this variant may have deleterious impact on protein structure and function. Functional studies have shown this variant does not increase transforming ability or cell proliferation (PMID: 9075701, 21810974), one study showed an increase in colony formation compared to wild-type RET (PMID: 21810974). This variant has been reported in at least 13 individuals affected with medullary thyroid cancer (PMID: 20516206, 27807060, 28946813, 30624503, 30763276, 33827484). This variant has been shown to segregate with disease in two families, but has also been observed in unaffected individuals (PMID: 27807060). This variant has not been identified in the general population by the Genome Aggregation Database (gnomAD). A different variant occurring at the same codon, p.Met918Thr, is a well-documented pathogenic mutation (ClinVar variation ID: 13919), indicating that methionine at this position is important for RET protein function. Based on the available evidence, this variant is classified as Likely Pathogenic.